The following is an entry in ClinVar:

ClinVar aggregate classification (germline): Uncertain significance (1 of 4 stars; one submission).

gnomAD v4.1: 2 of 1,614,172 alleles (0.00012%); highest among the groups gnomAD compares: Non-Finnish European, 0.00017%; no homozygotes.

Submission:

Ambry Genetics
Classification: Uncertain significance. Last evaluated: 2025-04-13. Review status: criteria provided, single submitter. Criteria: Ambry Variant Classification Scheme 2023. Collection method: clinical testing. Allele origin: germline.
Comment: The p.R1274L variant (also known as c.3821G>T), located in coding exon 30 of the A2ML1 gene, results from a G to T substitution at nucleotide position 3821. The arginine at codon 1274 is replaced by leucine, an amino acid with dissimilar properties. This amino acid position is conserved. In addition, this alteration is predicted to be tolerated by in silico analysis. Based on the available evidence, the clinical significance of this variant remains unclear.

NM_144670.6(A2ML1):c.3821G>T (p.Arg1274Leu)

Gene: A2ML1 (alpha-2-macroglobulin like 1; plus strand). Cytogenetic location: 12p13.31.
Variant type: single nucleotide variant.
Coding change: c.3821G>T on transcript NM_144670.6 (MANE Select); coding-DNA position 3821, G replaced by T.
Protein change: p.Arg1274Leu; replaces arginine 1274 with leucine.
Molecular consequence: missense variant.
Genome position (GRCh38, 1-based): chr12:8,867,945, G>T. VCF-style: chr12-8867945-G-T. GRCh37 (hg19) VCF-style: chr12-9020541-G-T.
Other names: c.2348G>T, p.Arg783Leu (NM_001282424.3); short protein forms R1274L, R783L.
Identifiers: ClinVar variation 4053815 (VCV004053815.1).